The following is an entry in ClinVar:

ClinVar aggregate classification (germline): Uncertain significance (1 of 4 stars; one submission).

Conditions:
RYR1-related disorder. Also called: RYR1-related condition; RYR1-related disorders. Identifiers: MedGen CN239331.

Allele frequency attached by ClinVar (database versions not stated): 1000 Genomes Project 30x 0.00016.
gnomAD v4.1: 2 of 1,548,578 alleles (0.00013%); highest among the groups gnomAD compares: African/African-American, 0.0014%; no homozygotes.

Submission:

Labcorp Genetics (formerly Invitae), Labcorp
Classification: Uncertain significance for RYR1-related disorder. Last evaluated: 2022-05-04. Review status: criteria provided, single submitter. Criteria: Invitae Variant Classification Sherloc (09022015). Collection method: clinical testing. Allele origin: germline.
Comment: This sequence change replaces arginine, which is basic and polar, with leucine, which is neutral and non-polar, at codon 3187 of the RYR1 protein (p.Arg3187Leu). This variant is not present in population databases (gnomAD no frequency). This variant has not been reported in the literature in individuals affected with RYR1-related conditions. Advanced modeling of protein sequence and biophysical properties (such as structural, functional, and spatial information, amino acid conservation, physicochemical variation, residue mobility, and thermodynamic stability) performed at Invitae indicates that this missense variant is expected to disrupt RYR1 protein function. In summary, the available evidence is currently insufficient to determine the role of this variant in disease. Therefore, it has been classified as a Variant of Uncertain Significance.

NM_000540.3(RYR1):c.9560G>T (p.Arg3187Leu)

Gene: RYR1 (ryanodine receptor 1; plus strand). Cytogenetic location: 19q13.2.
Variant type: single nucleotide variant.
Coding change: c.9560G>T on transcript NM_000540.3 (MANE Select); coding-DNA position 9560, G replaced by T.
Protein change: p.Arg3187Leu; replaces arginine 3187 with leucine.
Molecular consequence: missense variant.
Genome position (GRCh38, 1-based): chr19:38,516,092, G>T. VCF-style: chr19-38516092-G-T. GRCh37 (hg19) VCF-style: chr19-39006732-G-T.
Other names: c.9560G>T, p.Arg3187Leu (NM_001042723.2); short protein forms R3187L.
Identifiers: ClinVar variation 1367381 (VCV001367381.3), dbSNP rs1171145743, ClinGen allele CA405689973.